The following is an entry in ClinVar:

NM_001114753.3(ENG):c.1925A>G (p.His642Arg)

Gene: ENG (endoglin; minus strand). Cytogenetic location: 9q34.11.
Variant type: single nucleotide variant.
Coding change: c.1925A>G on transcript NM_001114753.3 (MANE Select); coding-DNA position 1925, A replaced by G.
Protein change: p.His642Arg; replaces histidine 642 with arginine.
Molecular consequence: missense variant. On other transcripts: 3 prime UTR variant (1).
Genome position (GRCh38, 1-based): chr9:127,815,734, T>C on the plus strand (A>G on the coding strand, the complement: ENG is on the minus strand). VCF-style: chr9-127815734-T-C. GRCh37 (hg19) VCF-style: chr9-130578013-T-C.
Other names: c.*183A>G (NM_000118.4); c.1379A>G, p.His460Arg (NM_001278138.2); short protein forms H460R, H642R.
Identifiers: ClinVar variation 4870451 (VCV004870451.1).
Genomic context (GRCh38, chr9:127,815,734, plus strand): 5'-GGCCGGGGCTATGCCATGCTGCTGGTGGAGCAGGGGGTGCTCTGGGTGCTCCCGATGCTG[T>C]GGTTGGTGCTGCTGCTCTCCGAGGAGGCCGGGGCAGCCACCGCCACCACGGGCTCCCGCT-3'
Protein context (NP_001108225.1, residues 632-652): PASSESSSTN[His642Arg]SIGSTQSTPC

ClinVar aggregate classification (germline): Uncertain significance (1 of 4 stars; one submission).

Conditions:
Cardiovascular phenotype. Identifiers: MedGen CN230736.

gnomAD v4.1: 5 of 1,555,878 alleles (0.00032%); highest among the groups gnomAD compares: East Asian, 0.0095%; no homozygotes.

Submission:

Ambry Genetics
Classification: Uncertain significance for Cardiovascular phenotype. Last evaluated: 2026-04-20. Review status: criteria provided, single submitter. Criteria: Ambry Variant Classification Scheme 2023. Collection method: clinical testing. Allele origin: germline.
Comment: The p.H642R variant (also known as c.1925A>G), located in coding exon 15 of the ENG gene, results from an A to G substitution at nucleotide position 1925. The histidine at codon 642 is replaced by arginine, an amino acid with highly similar properties. This amino acid position is conserved. In addition, this alteration is predicted to be tolerated by in silico analysis. Based on the available evidence, the clinical significance of this variant remains unclear.